The following is an entry in ClinVar:

ClinVar aggregate classification (germline): Pathogenic/Likely pathogenic. Review status: criteria provided, multiple submitters, no conflicts (2 of 4 stars). 3 submissions from 3 submitters: Pathogenic (1); Likely pathogenic (2). Last evaluated 2026-06-10.

Conditions:
RSPH3-related disorder. Also called: RSPH3-related condition.
Primary ciliary dyskinesia 32. Also called: CILIARY DYSKINESIA, PRIMARY, 32, WITHOUT SITUS INVERSUS. Identifiers: Orphanet 244, MedGen C4225311, MONDO:0014657, OMIM 616481.

Submissions (3):

PreventionGenetics, part of Exact Sciences
Classification: Likely pathogenic for RSPH3-related condition. Last evaluated: 2026-06-10. Review status: criteria provided, single submitter. Criteria: ACMG Guidelines, 2015. Collection method: clinical testing. Allele origin: germline.
Comment: The RSPH3 c.222_223delTG variant is predicted to result in a frameshift and premature protein termination (p.Cys74Trpfs*16). To our knowledge, this variant has not been reported in the literature. This variant is reported in 0.013% of alleles in individuals of European (Non-Finnish) descent in gnomAD. Frameshift variants in RSPH3 are expected to be pathogenic. This variant is interpreted as likely pathogenic.

Labcorp Genetics (formerly Invitae), Labcorp
Classification: Pathogenic for Primary ciliary dyskinesia 32. Last evaluated: 2025-07-14. Review status: criteria provided, single submitter. Criteria: Invitae Variant Classification Sherloc (09022015). Collection method: clinical testing. Allele origin: germline.
Comment: This sequence change creates a premature translational stop signal (p.Cys74Trpfs*16) in the RSPH3 gene. It is expected to result in an absent or disrupted protein product. Loss-of-function variants in RSPH3 are known to be pathogenic (PMID: 26073779). This variant is present in population databases (rs757935663, gnomAD 0.01%). This variant has not been reported in the literature in individuals affected with RSPH3-related conditions. For these reasons, this variant has been classified as Pathogenic.

Baylor Genetics
Classification: Likely pathogenic for Primary ciliary dyskinesia 32. Last evaluated: 2024-02-14. Review status: criteria provided, single submitter. Criteria: ACMG Guidelines, 2015. Collection method: clinical testing. Allele origin: unknown.

Literature cited by the submitters: PubMed 26073779 (cited by Labcorp Genetics (formerly Invitae), Labcorp).

NM_031924.8(RSPH3):c.-207TG[1]

Gene: RSPH3 (radial spoke head 3; minus strand). Cytogenetic location: 6q25.3.
Variant type: Microsatellite.
Coding change: c.-207TG[1] on transcript NM_031924.8 (MANE Select); one copy of the 2-base unit TG starting at c.-207; the reference has two copies in a row; one copy, 2 bases deleted.
Molecular consequence: 5 prime UTR variant. On other transcripts: frameshift variant (1), non-coding transcript variant (1).
Genome position (GRCh38, 1-based): chr6:158,999,754-158,999,755, CA deleted on the plus strand (TG on the coding strand, the reverse complement: RSPH3 is on the minus strand); deleting any 2 consecutive bases within chr6:158,999,754-158,999,757 gives the same sequence; the position shown is the placement nearest the transcript's 3' end. VCF-style (leftmost placement, unchanged base first): chr6-158999753-CCA-C. GRCh37 (hg19) VCF-style: chr6-159420785-CCA-C.
Other names: c.-205_-204del (NM_031924.8); c.222_223delTG (NM_031924.5); c.222_223del, p.Cys74fs (NM_001346418.1); short protein forms C74fs.
Identifiers: ClinVar variation 646115 (VCV000646115.8), dbSNP rs757935663, ClinGen allele CA4076064.